The following is an entry in ClinVar:

NM_001377.3(DYNC2H1):c.9275G>A (p.Trp3092Ter)

Gene: DYNC2H1 (dynein cytoplasmic 2 heavy chain 1; plus strand). Cytogenetic location: 11q22.3.
Variant type: single nucleotide variant.
Coding change: c.9275G>A on transcript NM_001377.3 (MANE Select); coding-DNA position 9275, G replaced by A.
Protein change: p.Trp3092Ter; replaces tryptophan 3092 with a stop codon.
Molecular consequence: nonsense.
Genome position (GRCh38, 1-based): chr11:103,223,008, G>A. VCF-style: chr11-103223008-G-A. GRCh37 (hg19) VCF-style: chr11-103093737-G-A.
Other names: c.9275G>A, p.Trp3092Ter (NM_001080463.2); short protein forms W3092*.
Identifiers: ClinVar variation 620235 (VCV000620235.2), dbSNP rs1565408472, ClinGen allele CA382265114.

ClinVar aggregate classification (germline): Pathogenic/Likely pathogenic. Review status: criteria provided, multiple submitters, no conflicts (2 of 4 stars). 2 submissions from 2 submitters: Pathogenic (1); Likely pathogenic (1). Last evaluated 2025-03-07.

Conditions:
Asphyxiating thoracic dystrophy 3. Also called: Saldino-Noonan Syndrome; SHORT-RIB THORACIC DYSPLASIA 3 WITH OR WITHOUT POLYDACTYLY; POLYDACTYLY WITH NEONATAL CHONDRODYSTROPHY, TYPE I; SHORT-RIB THORACIC DYSPLASIA 3/6 WITH POLYDACTYLY, DIGENIC; Short rib polydactyly syndrome 2B. Identifiers: Orphanet 474, Orphanet 93269, Orphanet 93270, Orphanet 93271, MedGen C0036069, MONDO:0013127, OMIM 613091.

Allele frequency attached by ClinVar (database versions not stated): TOPMed below 0.00001.

Submissions (2):

Myriad Genetics, Inc.
Classification: Pathogenic for Asphyxiating thoracic dystrophy 3. Last evaluated: 2025-03-07. Review status: criteria provided, single submitter. Criteria: Myriad Autosomal Dominant, Autosomal Recessive and X-Linked Classification Criteria (2023). Collection method: clinical testing. Allele origin: unknown.
Comment: NM_001377.2(DYNC2H1):c.9275G>A(W3092*) is expected to be pathogenic in the context of DYNC2H1-related disorders. This variant is predicted to lead to an abnormal or absent protein product due to the creation of a premature termination codon in DYNC2H1, a gene where loss-of-function variants are known to be pathogenic. Please note: this variant was assessed in the context of healthy population screening.

GeneDx
Classification: Likely pathogenic. Last evaluated: 2018-06-11. Review status: criteria provided, single submitter. Criteria: GeneDx Variant Classification (06012015). Collection method: clinical testing. Allele origin: germline. Affected: yes.
Comment: The W3092X variant has not been published as a pathogenic variant, nor has it been reported as a benign variant to our knowledge. The W3092X variant is not observed in large population cohorts (Lek et al., 2016). The W3092X nonsense variant in the DYNC2H1 gene is predicted to cause loss of normal protein function either through protein truncation or nonsense-mediated mRNA decay. We classify this variant as likely pathogenic.